The following is an entry in ClinVar:

NM_001321075.3(DLG4):c.527G>C (p.Gly176Ala)

Gene: DLG4 (discs large MAGUK scaffold protein 4; minus strand). Cytogenetic location: 17p13.1.
Variant type: single nucleotide variant.
Coding change: c.527G>C on transcript NM_001321075.3 (MANE Select); coding-DNA position 527, G replaced by C.
Protein change: p.Gly176Ala; replaces glycine 176 with alanine.
Molecular consequence: missense variant. On other transcripts: non-coding transcript variant (1).
Genome position (GRCh38, 1-based): chr17:7,203,308, C>G on the plus strand (G>C on the coding strand, the complement: DLG4 is on the minus strand). VCF-style: chr17-7203308-C-G. GRCh37 (hg19) VCF-style: chr17-7106627-C-G.
Other names: c.518G>C, p.Gly173Ala (NM_001128827.4); c.647G>C, p.Gly216Ala (NM_001321074.1); c.347G>C, p.Gly116Ala (NM_001321076.3, NM_001321077.3); c.656G>C, p.Gly219Ala (NM_001365.5); c.446G>C, p.Gly149Ala (NM_001369566.3); short protein forms G149A, G173A, G116A, G176A, G216A, G219A.
Identifiers: ClinVar variation 2771493 (VCV002771493.3), dbSNP rs2508020430, ClinGen allele CA397719003.
Genomic context (GRCh38, chr17:7,203,308, plus strand): 5'-TCGATGATCTTTGTTACATAGATGCTATTATCTCCTGGGATGTGCTGGTTCCCTACGCCC[C>G]CTGCGATGCTGAAGCCAAGACCTGGATGGAGGGGAGGCCAGAGGTGGGTGCCCAGGAAGC-3'
Protein context (NP_001308004.1, residues 166-186): GPKGLGFSIA[Gly176Ala]GVGNQHIPGD

ClinVar aggregate classification (germline): Uncertain significance (1 of 4 stars; one submission).

Submission:

Labcorp Genetics (formerly Invitae), Labcorp
Classification: Uncertain significance. Last evaluated: 2023-10-23. Review status: criteria provided, single submitter. Criteria: Invitae Variant Classification Sherloc (09022015). Collection method: clinical testing. Allele origin: germline.
Comment: This sequence change replaces glycine, which is neutral and non-polar, with alanine, which is neutral and non-polar, at codon 219 of the DLG4 protein (p.Gly219Ala). This variant is not present in population databases (gnomAD no frequency). This variant has not been reported in the literature in individuals affected with DLG4-related conditions. Advanced modeling of protein sequence and biophysical properties (such as structural, functional, and spatial information, amino acid conservation, physicochemical variation, residue mobility, and thermodynamic stability) performed at Invitae indicates that this missense variant is expected to disrupt DLG4 protein function with a positive predictive value of 80%. In summary, the available evidence is currently insufficient to determine the role of this variant in disease. Therefore, it has been classified as a Variant of Uncertain Significance.